The following is an entry in ClinVar:

ClinVar aggregate classification (germline): Likely benign. Review status: criteria provided, multiple submitters, no conflicts (2 of 4 stars). 3 submissions from 3 submitters: Likely benign (3). Last evaluated 2025-05-30.

Conditions:
Inborn genetic diseases. Identifiers: MedGen C0950123, MeSH D030342.

Allele frequency attached by ClinVar (database versions not stated): gnomAD 0.00001; gnomAD exomes 0.00001; ExAC 0.00002; 1000 Genomes Project 0.00020; 1000 Genomes Project 30x 0.00031.
gnomAD v4.1: 9 of 1,613,326 alleles (0.00056%); highest among the groups gnomAD compares: Admixed American, 0.0033%; no homozygotes.

Submissions (3):

Labcorp Genetics (formerly Invitae), Labcorp
Classification: Likely benign. Last evaluated: 2025-05-30. Review status: criteria provided, single submitter. Criteria: Invitae Variant Classification Sherloc (09022015). Collection method: clinical testing. Allele origin: germline.

Ambry Genetics
Classification: Likely benign for Inborn genetic diseases. Last evaluated: 2024-12-16. Review status: criteria provided, single submitter. Criteria: Ambry Variant Classification Scheme 2023. Collection method: clinical testing. Allele origin: germline.

CeGaT Center for Human Genetics Tuebingen
Classification: Likely benign. Last evaluated: 2023-03-01. Review status: criteria provided, single submitter. Criteria: CeGaT Center For Human Genetics Tuebingen Variant Classification Criteria Version 2. Collection method: clinical testing. Allele origin: germline. Affected: yes. Observed: 1 variant allele.
Comment: DDX41: BP4, BP7

NM_016222.4(DDX41):c.1704C>T (p.Cys568=)

Gene: DDX41 (DEAD-box helicase 41; minus strand). Cytogenetic location: 5q35.3.
Variant type: single nucleotide variant.
Coding change: c.1704C>T on transcript NM_016222.4 (MANE Select); coding-DNA position 1704, C replaced by T.
Protein change: p.Cys568=; no amino-acid change (cysteine 568 retained).
Molecular consequence: synonymous variant.
Genome position (GRCh38, 1-based): chr5:177,512,124, G>A on the plus strand (C>T on the coding strand, the complement: DDX41 is on the minus strand). VCF-style: chr5-177512124-G-A. GRCh37 (hg19) VCF-style: chr5-176939125-G-A.
Other names: c.1326C>T, p.Cys442= (NM_001321732.2, NM_001321830.2); c.1704C>T (NM_016222.2).
Identifiers: ClinVar variation 1954657 (VCV001954657.30), dbSNP rs551266040, ClinGen allele CA3584645.